The following is an entry in ClinVar:

NM_001077653.2(TBX20):c.973G>A (p.Gly325Arg)

Gene: TBX20 (T-box transcription factor 20; minus strand). Cytogenetic location: 7p14.2.
Variant type: single nucleotide variant.
Coding change: c.973G>A on transcript NM_001077653.2 (MANE Select); coding-DNA position 973, G replaced by A.
Protein change: p.Gly325Arg; replaces glycine 325 with arginine.
Molecular consequence: missense variant.
Genome position (GRCh38, 1-based): chr7:35,204,500, C>T on the plus strand (G>A on the coding strand, the complement: TBX20 is on the minus strand). VCF-style: chr7-35204500-C-T. GRCh37 (hg19) VCF-style: chr7-35244112-C-T.
Other names: short protein forms G325R.
Identifiers: ClinVar variation 3360413 (VCV003360413.2).

ClinVar aggregate classification (germline): Uncertain significance. Review status: criteria provided, multiple submitters, no conflicts (2 of 4 stars). 2 submissions from 2 submitters: Uncertain significance (2). Last evaluated 2025-06-24.

gnomAD v4.1: 2 of 1,613,918 alleles (0.00012%); highest among the groups gnomAD compares: Non-Finnish European, 0.00017%; no homozygotes.

Submissions (2):

Labcorp Genetics (formerly Invitae), Labcorp
Classification: Uncertain significance. Last evaluated: 2025-06-24. Review status: criteria provided, single submitter. Criteria: Invitae Variant Classification Sherloc (09022015). Collection method: clinical testing. Allele origin: germline.
Comment: This sequence change replaces glycine, which is neutral and non-polar, with arginine, which is basic and polar, at codon 325 of the TBX20 protein (p.Gly325Arg). This variant is not present in population databases (gnomAD no frequency). This variant has not been reported in the literature in individuals affected with TBX20-related conditions. ClinVar contains an entry for this variant (Variation ID: 3360413). Invitae Evidence Modeling of protein sequence and biophysical properties (such as structural, functional, and spatial information, amino acid conservation, physicochemical variation, residue mobility, and thermodynamic stability) indicates that this missense variant is not expected to disrupt TBX20 protein function with a negative predictive value of 80%. In summary, the available evidence is currently insufficient to determine the role of this variant in disease. Therefore, it has been classified as a Variant of Uncertain Significance.

GeneDx
Classification: Uncertain significance. Last evaluated: 2023-06-27. Review status: criteria provided, single submitter. Criteria: GeneDx Variant Classification Process June 2021. Collection method: clinical testing. Allele origin: germline. Affected: yes.
Comment: Not observed at significant frequency in large population cohorts (gnomAD); In silico analysis supports that this missense variant does not alter protein structure/function; Has not been previously published as pathogenic or benign to our knowledge